The following is an entry in ClinVar:

NM_004517.4(ILK):c.979-2A>C

Genes: ILK (integrin linked kinase; plus strand), TAF10 (TATA-box binding protein associated factor 10; minus strand). Cytogenetic location: 11p15.4.
Variant type: single nucleotide variant.
Coding change: c.979-2A>C on transcript NM_004517.4 (MANE Select); the canonical splice acceptor site of the intron before coding-DNA position 979, A replaced by C.
Molecular consequence: splice acceptor variant. On other transcripts: 3 prime UTR variant (1).
Genome position (GRCh38, 1-based): chr11:6,609,934, A>C. VCF-style: chr11-6609934-A-C. GRCh37 (hg19) VCF-style: chr11-6631165-A-C.
Other names: c.*988T>G (NM_006284.4); c.979-2A>C (NM_001014795.3, NM_001014794.3); c.796-2A>C (NM_001278441.2); c.577-2A>C (NM_001278442.2).
Identifiers: ClinVar variation 4712813 (VCV004712813.1).

ClinVar aggregate classification (germline): Uncertain significance (1 of 4 stars; one submission).

Conditions:
Primary familial hypertrophic cardiomyopathy (HCM). Identifiers: Orphanet 99739, MedGen C0949658, MeSH D024741, MONDO:0024573. Inheritance: Various modes of inheritance.

Submission:

Labcorp Genetics (formerly Invitae), Labcorp
Classification: Uncertain significance for Primary familial hypertrophic cardiomyopathy. Last evaluated: 2025-02-16. Review status: criteria provided, single submitter. Criteria: Invitae Variant Classification Sherloc (09022015). Collection method: clinical testing. Allele origin: germline.
Comment: This sequence change affects an acceptor splice site in intron 10 of the ILK gene. It is expected to disrupt RNA splicing. Variants that disrupt the donor or acceptor splice site typically lead to a loss of protein function (PMID: 16199547), however the current clinical and genetic evidence is not sufficient to establish whether loss-of-function variants in ILK cause disease. This variant is not present in population databases (gnomAD no frequency). This variant has not been reported in the literature in individuals affected with ILK-related conditions. Algorithms developed to predict the effect of sequence changes on RNA splicing suggest that this variant may disrupt the consensus splice site. In summary, the available evidence is currently insufficient to determine the role of this variant in disease. Therefore, it has been classified as a Variant of Uncertain Significance.

Literature cited by the submitters: PubMed 16199547.